The following is an entry in ClinVar:

ClinVar aggregate classification (germline): Uncertain significance (1 of 4 stars; one submission).

Allele frequency attached by ClinVar (database versions not stated): ExAC 0.00003; gnomAD 0.00005; ESP Exome Variant Server 0.00015.
gnomAD v4.1: 32 of 1,612,462 alleles (0.002%); highest among the groups gnomAD compares: Admixed American, 0.013%; no homozygotes.

Submission:

Ambry Genetics
Classification: Uncertain significance. Last evaluated: 2022-11-10. Review status: criteria provided, single submitter. Criteria: Ambry Variant Classification Scheme 2023. Collection method: clinical testing. Allele origin: germline.
Comment: The p.K652R variant (also known as c.1955A>G), located in coding exon 9 of the PALLD gene, results from an A to G substitution at nucleotide position 1955. The lysine at codon 652 is replaced by arginine, an amino acid with highly similar properties. This amino acid position is conserved. In addition, this alteration is predicted to be tolerated by in silico analysis. Since supporting evidence is limited at this time, the clinical significance of this alteration remains unclear.

NM_001166108.2(PALLD):c.1955A>G (p.Lys652Arg)

Gene: PALLD (palladin, cytoskeletal associated protein; plus strand). Cytogenetic location: 4q32.3.
Variant type: single nucleotide variant.
Coding change: c.1955A>G on transcript NM_001166108.2 (MANE Select); coding-DNA position 1955, A replaced by G.
Protein change: p.Lys652Arg; replaces lysine 652 with arginine.
Molecular consequence: missense variant.
Genome position (GRCh38, 1-based): chr4:168,711,914, A>G. VCF-style: chr4-168711914-A-G. GRCh37 (hg19) VCF-style: chr4-169633065-A-G.
Other names: c.809A>G, p.Lys270Arg (NM_001166109.2); c.1955A>G, p.Lys652Arg (NM_016081.4); short protein forms K652R, K270R.
Identifiers: ClinVar variation 2447301 (VCV002447301.2), dbSNP rs370665218, ClinGen allele CA3135750.